The following is an entry in ClinVar:

NM_015215.4(CAMTA1):c.229A>G (p.Asn77Asp)

Gene: CAMTA1 (calmodulin binding transcription activator 1; plus strand). Cytogenetic location: 1p36.31.
Variant type: single nucleotide variant.
Coding change: c.229A>G on transcript NM_015215.4 (MANE Select); coding-DNA position 229, A replaced by G.
Protein change: p.Asn77Asp; replaces asparagine 77 with aspartic acid.
Molecular consequence: missense variant. On other transcripts: non-coding transcript variant (4).
Genome position (GRCh38, 1-based): chr1:6,825,205, A>G. VCF-style: chr1-6825205-A-G. GRCh37 (hg19) VCF-style: chr1-6885265-A-G.
Other names: c.229A>G, p.Asn77Asp (NM_001195563.2, NM_001242701.2, NM_001349609.2 and 1 more transcripts); c.139A>G, p.Asn47Asp (NM_001349608.2, NM_001349612.2); c.265A>G, p.Asn89Asp (NM_001349627.2); short protein forms N77D, N47D, N89D.
Identifiers: ClinVar variation 560237 (VCV000560237.3), dbSNP rs1557636777, ClinGen allele CA338217851.

ClinVar aggregate classification (germline): Uncertain significance (1 of 4 stars; one submission).

Conditions:
Cerebellar dysfunction with variable cognitive and behavioral abnormalities (CECBA). Also called: Nonprogressive cerebellar atxia with intellectual disability. Identifiers: Orphanet 314647, MedGen C3553661, MONDO:0013886, OMIM 614756.

Submission:

Geisinger Autism and Developmental Medicine Institute, Geisinger Health System
Classification: Uncertain significance for Cerebellar dysfunction with variable cognitive and behavioral abnormalities. Last evaluated: 2017-05-25. Review status: criteria provided, single submitter. Criteria: ACMG Guidelines, 2015. Collection method: provider interpretation, clinical testing. Allele origin: de novo. Observed: 1 variant allele.
Comment: This p.N77D variant is absent from the gnomAD database. Computational prediction models are inconsistent. Whole exome sequencing identified 2 additional variants of uncertain significance.